The following is an entry in ClinVar:

NM_001378477.3(NYX):c.937G>C (p.Ala313Pro)

Gene: NYX (nyctalopin; plus strand). Cytogenetic location: Xp11.4.
Variant type: single nucleotide variant.
Coding change: c.937G>C on transcript NM_001378477.3 (MANE Select); coding-DNA position 937, G replaced by C.
Protein change: p.Ala313Pro; replaces alanine 313 with proline.
Molecular consequence: missense variant.
Genome position (GRCh38, 1-based): chrX:41,474,405, G>C. VCF-style: chrX-41474405-G-C. GRCh37 (hg19) VCF-style: chrX-41333658-G-C.
Other names: c.937G>C, p.Ala313Pro (NM_022567.3); short protein forms A313P.
Identifiers: ClinVar variation 1368394 (VCV001368394.6), dbSNP rs775085199, ClinGen allele CA10389885.

ClinVar aggregate classification (germline): Uncertain significance (1 of 4 stars; one submission).

Allele frequency attached by ClinVar (database versions not stated): ExAC 0.00001; gnomAD exomes 0.00001.
gnomAD v4.1: 3 of 1,207,609 alleles (0.00025%); highest among the groups gnomAD compares: Admixed American, 0.0022%; no homozygotes.

Submission:

Labcorp Genetics (formerly Invitae), Labcorp
Classification: Uncertain significance. Last evaluated: 2025-04-28. Review status: criteria provided, single submitter. Criteria: Invitae Variant Classification Sherloc (09022015). Collection method: clinical testing. Allele origin: germline.
Comment: This sequence change replaces alanine, which is neutral and non-polar, with proline, which is neutral and non-polar, at codon 318 of the NYX protein (p.Ala318Pro). This variant is present in population databases (rs775085199, gnomAD 0.004%). This variant has not been reported in the literature in individuals affected with NYX-related conditions. ClinVar contains an entry for this variant (Variation ID: 1368394). Invitae Evidence Modeling of protein sequence and biophysical properties (such as structural, functional, and spatial information, amino acid conservation, physicochemical variation, residue mobility, and thermodynamic stability) indicates that this missense variant is not expected to disrupt NYX protein function with a negative predictive value of 80%. In summary, the available evidence is currently insufficient to determine the role of this variant in disease. Therefore, it has been classified as a Variant of Uncertain Significance.